The following is an entry in ClinVar:

ClinVar aggregate classification (germline): Benign. Review status: criteria provided, multiple submitters, no conflicts (2 of 4 stars). 5 submissions from 5 submitters: Benign (5). Last evaluated 2026-01-29.

Allele frequency attached by ClinVar (database versions not stated): gnomAD exomes 0.00483; ExAC 0.00841; ESP Exome Variant Server 0.02957; 1000 Genomes Project 0.03814; 1000 Genomes Project 30x 0.03919; TOPMed 0.04072.
gnomAD v4.1: 10,117 of 1,524,536 alleles (0.66%); highest among the groups gnomAD compares: African/African-American, 13%; 526 homozygotes.

Submissions (5):

Labcorp Genetics (formerly Invitae), Labcorp
Classification: Benign. Last evaluated: 2026-01-29. Review status: criteria provided, single submitter. Criteria: Invitae Variant Classification Sherloc (09022015). Collection method: clinical testing. Allele origin: germline.

Mayo Clinic Laboratories, Mayo Clinic
Classification: Benign. Last evaluated: 2022-04-17. Review status: criteria provided, single submitter. Criteria: ACMG Guidelines, 2015. Collection method: clinical testing. Allele origin: germline. Observed: 5 variant alleles.

ARUP Laboratories, Molecular Genetics and Genomics, ARUP Laboratories
Classification: Benign. Last evaluated: 2020-04-17. Review status: criteria provided, single submitter. Criteria: ARUP Molecular Germline Variant Investigation Process. Collection method: clinical testing. Allele origin: germline.

GeneDx
Classification: Benign. Last evaluated: 2018-01-29. Review status: criteria provided, single submitter. Criteria: GeneDx Variant Classification (06012015). Collection method: clinical testing. Allele origin: germline. Affected: yes.
Comment: This variant is considered likely benign or benign based on one or more of the following criteria: it is a conservative change, it occurs at a poorly conserved position in the protein, it is predicted to be benign by multiple in silico algorithms, and/or has population frequency not consistent with disease.

Breakthrough Genomics
Classification: Benign. Review status: criteria provided, single submitter. Criteria: ACMG Guidelines, 2015. Collection method: not provided. Allele origin: germline. Inheritance: Autosomal recessive inheritance. Affected: yes.

NM_031475.3(ESPN):c.706C>G (p.Gln236Glu)

Gene: ESPN (espin; plus strand). Cytogenetic location: 1p36.31.
Variant type: single nucleotide variant.
Coding change: c.706C>G on transcript NM_031475.3 (MANE Select); coding-DNA position 706, C replaced by G.
Protein change: p.Gln236Glu; replaces glutamine 236 with glutamic acid.
Molecular consequence: missense variant.
Genome position (GRCh38, 1-based): chr1:6,440,656, C>G. VCF-style: chr1-6440656-C-G. GRCh37 (hg19) VCF-style: chr1-6500716-C-G.
Other names: p.Gln236Glu; c.706C>G, p.Gln236Glu (NM_001367473.1, NM_001367474.1); short protein forms Q236E.
Identifiers: ClinVar variation 508587 (VCV000508587.21), dbSNP rs6678405, ClinGen allele CA559980.